The following is an entry in ClinVar:

NC_000004.11:g.(?_3465103)_(3495228_?)dup

Gene: DOK7 (docking protein 7; plus strand). Cytogenetic location: 4p16.3.
Variant type: Duplication.
Identifiers: ClinVar variation 2427511 (VCV002427511.2).

ClinVar aggregate classification (germline): Uncertain significance (1 of 4 stars; one submission).

Conditions:
Congenital myasthenic syndrome 10. Also called: Myasthenia, limb-girdle, familial. Identifiers: Orphanet 590, MedGen C1850792, MONDO:0009690, OMIM 254300.
Fetal akinesia deformation sequence 1 (FADS1). Also called: Pena-Shokeir syndrome type I; Fetal akinesia sequence. Identifiers: Orphanet 994, MedGen C1276035, MONDO:0100101, OMIM 208150, HP:0001989.

Submission:

Labcorp Genetics (formerly Invitae), Labcorp
Classification: Uncertain significance for Congenital myasthenic syndrome 10; Fetal akinesia deformation sequence 1. Last evaluated: 2022-08-16. Review status: criteria provided, single submitter. Criteria: Invitae Variant Classification Sherloc (09022015). Collection method: clinical testing. Allele origin: germline.
Comment: A copy number gain of the genomic region encompassing the full coding sequence of the DOK7 gene has been identified. The boundaries of this event are unknown as they extend beyond the assayed region for this gene and therefore may encompass additional genes. As the precise location of this event is unknown, it may be in tandem or it may be located elsewhere in the genome. This variant has not been reported in the literature in individuals affected with DOK7-related conditions. Experimental studies and prediction algorithms are not available or were not evaluated, and the functional significance of this variant is currently unknown. In summary, the available evidence is currently insufficient to determine the role of this variant in disease. Therefore, it has been classified as a Variant of Uncertain Significance.